The following is an entry in ClinVar:

ClinVar aggregate classification (germline): Conflicting classifications of pathogenicity. Review status: criteria provided, conflicting classifications (1 of 4 stars). 3 submissions from 3 submitters: Uncertain significance (1); Benign (1); Likely benign (1). Last evaluated 2026-01-25.

Conditions:
Pyruvate carboxylase deficiency. Also called: LEIGH NECROTIZING ENCEPHALOPATHY DUE TO PYRUVATE CARBOXYLASE DEFICIENCY; LEIGH SYNDROME DUE TO PYRUVATE CARBOXYLASE DEFICIENCY; PC DEFICIENCY; ATAXIA WITH LACTIC ACIDOSIS II; Pyruvate Carboxylase Deficiency Disease. Identifiers: Orphanet 3008, MedGen C0034341, MONDO:0009949, OMIM 266150.

Allele frequency attached by ClinVar (database versions not stated): ESP Exome Variant Server 0.00054; 1000 Genomes Project 0.00120; 1000 Genomes Project 30x 0.00141.
gnomAD v4.1: 1,135 of 1,603,638 alleles (0.071%); highest among the groups gnomAD compares: Admixed American, 0.24%; 2 homozygotes.

Submissions (5):

Labcorp Genetics (formerly Invitae), Labcorp
Classification: Benign for Pyruvate carboxylase deficiency. Last evaluated: 2026-01-25. Review status: criteria provided, single submitter. Criteria: Invitae Variant Classification Sherloc (09022015). Collection method: clinical testing. Allele origin: germline.

Blueprint Genetics
Classification: Likely benign. Last evaluated: 2024-11-27. Review status: criteria provided, single submitter. Criteria: ACMG Guidelines, 2015. Collection method: clinical testing. Allele origin: germline.

Illumina Laboratory Services, Illumina
Classification: Uncertain significance for Pyruvate carboxylase deficiency. Last evaluated: 2018-01-13. Review status: criteria provided, single submitter. Criteria: ICSL Variant Classification Criteria 13 December 2019. Collection method: clinical testing. Allele origin: germline.

Dr. Peter K. Rogan Lab, Western University
No classification provided (evidence only). Condition: Acute myeloid leukemia. Review status: no classification provided. Collection method: in vitro. Allele origin: not applicable. Functional consequence: retained intron. Not counted in ClinVar's aggregate classification.

Dr. Peter K. Rogan Lab, Western University
No classification provided (evidence only). Condition: Ovarian serous cystadenocarcinoma. Review status: no classification provided. Collection method: in vitro. Allele origin: not applicable. Functional consequence: retained intron. Not counted in ClinVar's aggregate classification.

NM_001040716.2(PC):c.1023-14C>G

Gene: PC (pyruvate carboxylase; minus strand). Cytogenetic location: 11q13.2.
Variant type: single nucleotide variant.
Coding change: c.1023-14C>G on transcript NM_001040716.2 (MANE Select); 14 bases into the intron before coding-DNA position 1023, C replaced by G.
Molecular consequence: intron variant.
Genome position (GRCh38, 1-based): chr11:66,866,363, G>C on the plus strand (C>G on the coding strand, the complement: PC is on the minus strand). VCF-style: chr11-66866363-G-C. GRCh37 (hg19) VCF-style: chr11-66633834-G-C.
Other names: c.1023-14C>G (NM_000920.4, NM_022172.3).
Identifiers: ClinVar variation 305629 (VCV000305629.15), dbSNP rs111858832, ClinGen allele CA6132003.